The following is an entry in ClinVar:

NM_145015.5(MRGPRF):c.806C>G (p.Ala269Gly)

Gene: MRGPRF (MAS related GPR family member F; minus strand). Cytogenetic location: 11q13.3.
Variant type: single nucleotide variant.
Coding change: c.806C>G on transcript NM_145015.5 (MANE Select); coding-DNA position 806, C replaced by G.
Protein change: p.Ala269Gly; replaces alanine 269 with glycine.
Molecular consequence: missense variant.
Genome position (GRCh38, 1-based): chr11:69,005,504, G>C on the plus strand (C>G on the coding strand, the complement: MRGPRF is on the minus strand). VCF-style: chr11-69005504-G-C. GRCh37 (hg19) VCF-style: chr11-68772972-G-C.
Other names: c.806C>G, p.Ala269Gly (NM_001098515.2); short protein forms A269G.
Identifiers: ClinVar variation 3349830 (VCV003349830.1).

ClinVar aggregate classification (germline): Uncertain significance (0 of 4 stars; one submission).

Conditions:
MRGPRF-related condition.

Submission:

PreventionGenetics, part of Exact Sciences
Classification: Uncertain significance for MRGPRF-related condition. Last evaluated: 2024-05-09. Review status: no assertion criteria provided. Collection method: clinical testing. Allele origin: germline.
Comment: The MRGPRF c.806C>G variant is predicted to result in the amino acid substitution p.Ala269Gly. To our knowledge, this variant has not been reported in the literature or in a large population database, indicating this variant is rare. At this time, the clinical significance of this variant is uncertain due to the absence of conclusive functional and genetic evidence.